The following is an entry in ClinVar:

NM_001042517.2(DIAPH3):c.3121G>A (p.Glu1041Lys)

Gene: DIAPH3 (diaphanous related formin 3; minus strand). Cytogenetic location: 13q21.2.
Variant type: single nucleotide variant.
Coding change: c.3121G>A on transcript NM_001042517.2 (MANE Select); coding-DNA position 3121, G replaced by A.
Protein change: p.Glu1041Lys; replaces glutamic acid 1041 with lysine.
Molecular consequence: missense variant.
Genome position (GRCh38, 1-based): chr13:59,810,830, C>T on the plus strand (G>A on the coding strand, the complement: DIAPH3 is on the minus strand). VCF-style: chr13-59810830-C-T. GRCh37 (hg19) VCF-style: chr13-60384964-C-T.
Other names: c.3088G>A, p.Glu1030Lys (NM_001258366.2); c.2983G>A, p.Glu995Lys (NM_001258367.2); c.2911G>A, p.Glu971Lys (NM_001258368.2); c.3121G>A, p.Glu1041Lys (NM_001258369.2); c.2332G>A, p.Glu778Lys (NM_030932.4); c.3121G>A (NM_001042517.1); short protein forms E1041K, E971K, E1030K, E995K, E778K.
Identifiers: ClinVar variation 1936868 (VCV001936868.7), dbSNP rs371429652, ClinGen allele CA6996162.

ClinVar aggregate classification (germline): Uncertain significance. Review status: criteria provided, multiple submitters, no conflicts (2 of 4 stars). 3 submissions from 3 submitters: Uncertain significance (3). Last evaluated 2025-10-22.

Allele frequency attached by ClinVar (database versions not stated): ExAC 0.00003; ESP Exome Variant Server 0.00009.
gnomAD v4.1: 24 of 1,613,598 alleles (0.0015%); highest among the groups gnomAD compares: South Asian, 0.0077%; no homozygotes.

Submissions (3):

Ambry Genetics
Classification: Uncertain significance. Last evaluated: 2025-10-22. Review status: criteria provided, single submitter. Criteria: Ambry Variant Classification Scheme 2023. Collection method: clinical testing. Allele origin: germline.

Blueprint Genetics
Classification: Uncertain significance. Last evaluated: 2024-03-21. Review status: criteria provided, single submitter. Criteria: ACMG Guidelines, 2015. Collection method: clinical testing. Allele origin: germline.

Labcorp Genetics (formerly Invitae), Labcorp
Classification: Uncertain significance. Last evaluated: 2022-10-11. Review status: criteria provided, single submitter. Criteria: Invitae Variant Classification Sherloc (09022015). Collection method: clinical testing. Allele origin: germline.
Comment: In summary, the available evidence is currently insufficient to determine the role of this variant in disease. Therefore, it has been classified as a Variant of Uncertain Significance. Algorithms developed to predict the effect of missense changes on protein structure and function are either unavailable or do not agree on the potential impact of this missense change (SIFT: "Deleterious"; PolyPhen-2: "Possibly Damaging"; Align-GVGD: "Class C0"). This variant has not been reported in the literature in individuals affected with DIAPH3-related conditions. This variant is present in population databases (rs371429652, gnomAD 0.01%). This sequence change replaces glutamic acid, which is acidic and polar, with lysine, which is basic and polar, at codon 1041 of the DIAPH3 protein (p.Glu1041Lys).